The following is an entry in ClinVar:

ClinVar aggregate classification (germline): Likely benign (1 of 4 stars; one submission).

Submission:

CeGaT Center for Human Genetics Tuebingen
Classification: Likely benign. Last evaluated: 2026-09-01. Review status: criteria provided, single submitter. Criteria: CeGaT Center For Human Genetics Tuebingen Variant Classification Criteria Version 2. Collection method: clinical testing. Allele origin: germline. Affected: yes. Observed: 10 variant alleles.
Comment: GNB2: BS2

NM_005273.4(GNB2):c.*13del

Gene: GNB2 (G protein subunit beta 2; plus strand). Cytogenetic location: 7q22.1.
Variant type: Deletion.
Coding change: c.*13del on transcript NM_005273.4 (MANE Select); 13 bases downstream of the stop codon, one base deleted (C; older notation c.*13delC).
Molecular consequence: 3 prime UTR variant.
Genome position (GRCh38, 1-based): chr7:100,678,814, C deleted; the last of 5 consecutive C bases (chr7:100,678,810-100,678,814); deleting any one gives the same sequence. VCF-style (leftmost placement, unchanged base first): chr7-100678809-AC-A. GRCh37 (hg19) VCF-style: chr7-100276432-AC-A.
Identifiers: ClinVar variation 2657760 (VCV002657760.24), dbSNP rs544679315, ClinGen allele CA4387788.
Genomic context (GRCh38, chr7:100,678,809, plus strand): 5'-GCATGGCTGTGGCCACGGGCTCCTGGGACTCCTTCCTCAAGATCTGGAACTAATGGCCCC[AC>A]CCCCACTGGGCCCAGGCCAGGAGGGGCCCTGCCCATGCCCACACTACAGGCCAGGGCTGC-3'